The following is an entry in ClinVar:

ClinVar aggregate classification (germline): Likely benign (1 of 4 stars; one submission).

Submission:

CeGaT Center for Human Genetics Tuebingen
Classification: Likely benign. Last evaluated: 2022-08-01. Review status: criteria provided, single submitter. Criteria: CeGaT Center For Human Genetics Tuebingen Variant Classification Criteria Version 2. Collection method: clinical testing. Allele origin: germline. Affected: yes. Observed: 1 variant allele.
Comment: SLC22A23: PM2:Supporting, BP4, BP7

NM_015482.2(SLC22A23):c.1695G>C (p.Thr565=)

Gene: SLC22A23 (solute carrier family 22 member 23; minus strand). Cytogenetic location: 6p25.2.
Variant type: single nucleotide variant.
Coding change: c.1695G>C on transcript NM_015482.2 (MANE Select); coding-DNA position 1695, G replaced by C.
Protein change: p.Thr565=; no amino-acid change (threonine 565 retained).
Molecular consequence: synonymous variant. On other transcripts: non-coding transcript variant (1).
Genome position (GRCh38, 1-based): chr6:3,283,860, C>G on the plus strand (G>C on the coding strand, the complement: SLC22A23 is on the minus strand). VCF-style: chr6-3283860-C-G. GRCh37 (hg19) VCF-style: chr6-3284094-C-G.
Other names: c.852G>C, p.Thr284= (NM_001286455.1, NM_021945.6); c.1695G>C, p.Thr565= (NM_001382317.1); c.804G>C, p.Thr268= (NM_001382318.1, NM_001382319.1).
Identifiers: ClinVar variation 2656186 (VCV002656186.24), dbSNP rs114632171, ClinGen allele CA448441829.